The following is an entry in ClinVar:

ClinVar aggregate classification (germline): Benign/Likely benign. Review status: criteria provided, multiple submitters, no conflicts (2 of 4 stars). 2 submissions from 2 submitters: Benign (1); Likely benign (1). Last evaluated 2022-05-01.

Allele frequency attached by ClinVar (database versions not stated): gnomAD exomes 0.00014; ExAC 0.00018; 1000 Genomes Project 30x 0.00062; TOPMed 0.00068; gnomAD 0.00073; ESP Exome Variant Server 0.00079; 1000 Genomes Project 0.00080.
gnomAD v4.1: 195 of 1,613,926 alleles (0.012%); highest among the groups gnomAD compares: African/African-American, 0.23%; 1 homozygote.

Submissions (2):

CeGaT Center for Human Genetics Tuebingen
Classification: Benign. Last evaluated: 2022-05-01. Review status: criteria provided, single submitter. Criteria: CeGaT Center For Human Genetics Tuebingen Variant Classification Criteria Version 2. Collection method: clinical testing. Allele origin: germline. Affected: yes. Observed: 1 variant allele.
Comment: ZFHX4: BS1, BS2

Labcorp Genetics (formerly Invitae), Labcorp
Classification: Likely benign. Last evaluated: 2018-07-15. Review status: criteria provided, single submitter. Criteria: Invitae Variant Classification Sherloc (09022015). Collection method: clinical testing. Allele origin: germline.

NM_024721.5(ZFHX4):c.10541C>G (p.Thr3514Ser)

Gene: ZFHX4 (zinc finger homeobox 4; plus strand). Cytogenetic location: 8q21.13.
Variant type: single nucleotide variant.
Coding change: c.10541C>G on transcript NM_024721.5 (MANE Select); coding-DNA position 10541, C replaced by G.
Protein change: p.Thr3514Ser; replaces threonine 3514 with serine.
Molecular consequence: missense variant.
Genome position (GRCh38, 1-based): chr8:76,864,255, C>G. VCF-style: chr8-76864255-C-G. GRCh37 (hg19) VCF-style: chr8-77776491-C-G.
Other names: short protein forms T3514S.
Identifiers: ClinVar variation 749225 (VCV000749225.27), dbSNP rs138516754, ClinGen allele CA4788553.